The following is an entry in ClinVar:

NM_001035.3(RYR2):c.9768C>A (p.Asn3256Lys)

Gene: RYR2 (ryanodine receptor 2; plus strand). Cytogenetic location: 1q43.
Variant type: single nucleotide variant.
Coding change: c.9768C>A on transcript NM_001035.3 (MANE Select); coding-DNA position 9768, C replaced by A.
Protein change: p.Asn3256Lys; replaces asparagine 3256 with lysine.
Molecular consequence: missense variant.
Genome position (GRCh38, 1-based): chr1:237,707,136, C>A. VCF-style: chr1-237707136-C-A. GRCh37 (hg19) VCF-style: chr1-237870436-C-A.
Other names: short protein forms N3256K.
Identifiers: ClinVar variation 4773520 (VCV004773520.1).

ClinVar aggregate classification (germline): Uncertain significance (1 of 4 stars; one submission).

Conditions:
Catecholaminergic polymorphic ventricular tachycardia 1. Also called: VENTRICULAR TACHYCARDIA, STRESS-INDUCED POLYMORPHIC 1; RYR2-Related Catecholaminergic Polymorphic Ventricular Tachycardia; VENTRICULAR TACHYCARDIA, CATECHOLAMINERGIC POLYMORPHIC, 1, WITH OR WITHOUT ATRIAL DYSFUNCTION AND/OR DILATED CARDIOMYOPATHY. Identifiers: Orphanet 3286, MedGen C1631597, MONDO:0011484, OMIM 604772.

gnomAD v4.1: 2 of 1,613,850 alleles (0.00012%); highest among the groups gnomAD compares: African/African-American, 0.0013%; no homozygotes.

Submission:

Labcorp Genetics (formerly Invitae), Labcorp
Classification: Uncertain significance for Catecholaminergic polymorphic ventricular tachycardia 1. Last evaluated: 2025-10-17. Review status: criteria provided, single submitter. Criteria: Invitae Variant Classification Sherloc (09022015). Collection method: clinical testing. Allele origin: germline.
Comment: This sequence change replaces asparagine, which is neutral and polar, with lysine, which is basic and polar, at codon 3256 of the RYR2 protein (p.Asn3256Lys). This variant is not present in population databases (gnomAD no frequency). This variant has not been reported in the literature in individuals affected with RYR2-related conditions. Invitae Evidence Modeling of protein sequence and biophysical properties (such as structural, functional, and spatial information, amino acid conservation, physicochemical variation, residue mobility, and thermodynamic stability) indicates that this missense variant is not expected to disrupt RYR2 protein function with a negative predictive value of 95%. In summary, the available evidence is currently insufficient to determine the role of this variant in disease. Therefore, it has been classified as a Variant of Uncertain Significance.